The following is an entry in ClinVar:

ClinVar aggregate classification (germline): Likely pathogenic (1 of 4 stars; one submission).

Conditions:
FOXJ1-related disorder. Also called: FOXJ1-related condition.

Submission:

PreventionGenetics, part of Exact Sciences
Classification: Likely pathogenic for FOXJ1-related condition. Last evaluated: 2023-08-21. Review status: criteria provided, single submitter. Criteria: ACMG Guidelines, 2015. Collection method: clinical testing. Allele origin: germline.
Comment: The FOXJ1 c.832delC variant is predicted to result in a frameshift and premature protein termination (p.Leu278Cysfs*55). To our knowledge, this variant has not been reported in the literature or in a large population database, indicating this variant is rare. Frameshift variants in FOXJ1 are expected to be pathogenic. This variant is interpreted as likely pathogenic.

NM_001454.4(FOXJ1):c.832del (p.Leu278fs)

Gene: FOXJ1 (forkhead box J1; minus strand). Cytogenetic location: 17q25.1.
Variant type: Deletion.
Coding change: c.832del on transcript NM_001454.4 (MANE Select); coding-DNA position 832, one base deleted (C; older notation c.832delC).
Protein change: p.Leu278fs; shifts the reading frame from leucine 278.
Molecular consequence: frameshift variant.
Genome position (GRCh38, 1-based): chr17:76,137,787, G deleted on the plus strand (C on the coding strand, the reverse complement: FOXJ1 is on the minus strand). VCF-style (leftmost placement, unchanged base first): chr17-76137786-AG-A. GRCh37 (hg19) VCF-style: chr17-74133867-AG-A.
Other names: short protein forms L278fs.
Identifiers: ClinVar variation 2631063 (VCV002631063.1), dbSNP rs2509838550, ClinGen allele CA2695200341.